The following is an entry in ClinVar:

NM_002471.4(MYH6):c.2161C>T (p.Arg721Trp)

Gene: MYH6 (myosin heavy chain 6; minus strand). Cytogenetic location: 14q11.2.
Variant type: single nucleotide variant.
Coding change: c.2161C>T on transcript NM_002471.4 (MANE Select); coding-DNA position 2161, C replaced by T.
Protein change: p.Arg721Trp; replaces arginine 721 with tryptophan.
Molecular consequence: missense variant.
Genome position (GRCh38, 1-based): chr14:23,396,970, G>A on the plus strand (C>T on the coding strand, the complement: MYH6 is on the minus strand). VCF-style: chr14-23396970-G-A. GRCh37 (hg19) VCF-style: chr14-23866179-G-A.
Other names: short protein forms R721W.
Identifiers: ClinVar variation 29799 (VCV000029799.16), dbSNP rs387906656, ClinGen allele CA128654.
Genomic context (GRCh38, chr14:23,396,970, plus strand): 5'-AGGGCAGCCTGGCTCCCCCTGTTCTATGAGCTCTGGGGCACCCTCATACCCACCTCTGCC[G>A]GAAGTCCCCGTAGAGGATGCGGTTGGGGAAGCCCTTCCTGCAGATGCGGATGCCCTCCAG-3'
Protein context (NP_002462.2, residues 711-731): FPNRILYGDF[Arg721Trp]QRYRILNPVA

ClinVar aggregate classification (germline): Uncertain significance. Review status: criteria provided, multiple submitters, no conflicts (2 of 4 stars). 5 submissions from 5 submitters: Uncertain significance (4). 1 of the submissions does not count toward it. Last evaluated 2026-09-01.

Conditions:
MYH6-related disorder. Also called: MYH6-related condition; MYH6-Related Disorders.
Sick sinus syndrome 3, susceptibility to (SSS3). Identifiers: Orphanet 166282, MedGen C3279791, MONDO:0013568, OMIM 614090.
Hypertrophic cardiomyopathy 14. Identifiers: MedGen C2750467, MONDO:0013197, OMIM 613251.

Allele frequency attached by ClinVar (database versions not stated): gnomAD exomes 0.00001; gnomAD 0.00002; TOPMed 0.00003.
gnomAD v4.1: 11 of 1,612,708 alleles (0.00068%); highest among the groups gnomAD compares: Admixed American, 0.0067%; no homozygotes.

Submissions (5):

PreventionGenetics, part of Exact Sciences
Classification: Uncertain significance for MYH6-related condition. Last evaluated: 2026-09-01. Review status: criteria provided, single submitter. Criteria: ACMG Guidelines, 2015. Collection method: clinical testing. Allele origin: germline.
Comment: The MYH6 c.2161C>T variant is predicted to result in the amino acid substitution p.Arg721Trp. This variant has been reported to be associated with a high risk of sick sinus syndrome (SSS) and is described as a founder variant in the Icelandic population with highly variable expressivity (Holm et al. 2011. PubMed ID: 21378987; Thorolfsdottir et al. 2017. PubMed ID: 29050564). This variant has also been reported in individuals with various congenital heart defects (Bjornsson et al. 2018. PubMed ID: 29590334; Dataset S4, Sierant et al. 2025. PubMed ID: 40127276). Functional studies suggested that this variant impairs sarcomere structures (Ishikawa et al. 2015. PubMed ID: 25717017). This variant is reported in 0.029% of alleles in individuals of European (Finnish) descent in gnomAD and is consistently interpreted as uncertain in ClinVar (Variation ID: 29799). At this time, the clinical significance of this variant is uncertain due to the absence of conclusive functional and genetic evidence.

Labcorp Genetics (formerly Invitae), Labcorp
Classification: Uncertain significance for Hypertrophic cardiomyopathy 14. Last evaluated: 2024-04-25. Review status: criteria provided, single submitter. Criteria: Invitae Variant Classification Sherloc (09022015). Collection method: clinical testing. Allele origin: germline.
Comment: This sequence change replaces arginine, which is basic and polar, with tryptophan, which is neutral and slightly polar, at codon 721 of the MYH6 protein (p.Arg721Trp). This variant is present in population databases (rs387906656, gnomAD 0.03%). This missense change has been observed in individual(s) with atrial fibrillation, coarctation of the aorta, and/or sick sinus syndrome (PMID: 21378987, 29050564, 29590334). ClinVar contains an entry for this variant (Variation ID: 29799). Advanced modeling of protein sequence and biophysical properties (such as structural, functional, and spatial information, amino acid conservation, physicochemical variation, residue mobility, and thermodynamic stability) performed at Invitae indicates that this missense variant is expected to disrupt MYH6 protein function with a positive predictive value of 80%. Experimental studies have shown that this missense change affects MYH6 function (PMID: 25717017). In summary, the available evidence is currently insufficient to determine the role of this variant in disease. Therefore, it has been classified as a Variant of Uncertain Significance.

GeneDx
Classification: Uncertain significance. Last evaluated: 2024-02-24. Review status: criteria provided, single submitter. Criteria: GeneDx Variant Classification Process June 2021. Collection method: clinical testing. Allele origin: germline. Affected: yes.
Comment: Reported in individuals with various cardiac conditions including sick sinus syndrome, atrial fibrillation, and left-sided cardiac malformations such as coarctation of the aorta and hypoplastic left heart syndrome (PMID: 29511194, 21378987, 29050564, 29590334, 29697798, 35621855); Described as an Icelandic founder variant (PMID: 21378987, 29590334); Not observed at significant frequency in large population cohorts (gnomAD); Published functional studies suggest a damaging effect on protein function (PMID: 25717017); In silico analysis supports that this missense variant has a deleterious effect on protein structure/function; This variant is associated with the following publications: (PMID: 35784482, 24020943, 22939045, 33580673, 29050564, 26284702, 29590334, 29697798, 35621855, 35159226, 29511194, 21378987, 25717017)

Revvity Omics, Revvity
Classification: Uncertain significance. Last evaluated: 2021-07-23. Review status: criteria provided, single submitter. Criteria: ACMG Guidelines, 2015. Collection method: clinical testing. Allele origin: germline.

OMIM
Classification: risk factor for SICK SINUS SYNDROME 3, SUSCEPTIBILITY TO. Last evaluated: 2011-03-06. Review status: no assertion criteria provided. Collection method: literature only. Allele origin: germline. Not counted in ClinVar's aggregate classification.

Literature cited by the submitters: PubMed 21378987 (cited by Labcorp Genetics (formerly Invitae), Labcorp and OMIM); PubMed 29050564 (cited by Labcorp Genetics (formerly Invitae), Labcorp); PubMed 29590334 (cited by Labcorp Genetics (formerly Invitae), Labcorp); PubMed 25717017 (cited by Labcorp Genetics (formerly Invitae), Labcorp).